The following is an entry in ClinVar:

NM_000252.3(MTM1):c.1237del (p.Ser413fs)

Gene: MTM1 (myotubularin 1; plus strand). Cytogenetic location: Xq28.
Variant type: Deletion.
Coding change: c.1237del on transcript NM_000252.3 (MANE Select); coding-DNA position 1237, one base deleted (A; older notation c.1237delA).
Protein change: p.Ser413fs; shifts the reading frame from serine 413.
Molecular consequence: frameshift variant.
Genome position (GRCh38, 1-based): chrX:150,658,004, A deleted; the last of 2 consecutive A bases (chrX:150,658,003-150,658,004); deleting either gives the same sequence. VCF-style (leftmost placement, unchanged base first): chrX-150658002-TA-T. GRCh37 (hg19) VCF-style: chrX-149826475-TA-T.
Other names: c.1237del, p.Ser413fs (NM_001376906.1, NM_001376908.1); c.1126del, p.Ser376fs (NM_001376907.1); short protein forms S376fs, S413fs.
Identifiers: ClinVar variation 4854658 (VCV004854658.1).
Genomic context (GRCh38, chrX:150,658,002, plus strand): 5'-TGTTGGATAGCTTCTATAGGAGCATTGAAGGGTTCGAAATACTGGTACAAAAAGAATGGA[TA>T]AGTTTTGGACATAAATTTGCATCTGTGAGTAAACAAAGCTAATTTCTAAAAATAGATCAC-3'

ClinVar aggregate classification (germline): Likely pathogenic (1 of 4 stars; one submission).

Conditions:
Severe X-linked myotubular myopathy (CNMX). Also called: X-linked centronuclear myopathy; Myotubular myopathy, X-linked; MYOTUBULAR MYOPATHY 1. Identifiers: Orphanet 596, MedGen C0410203, MONDO:0010683, OMIM 310400.

Submission:

3billion
Classification: Likely pathogenic for Severe X-linked myotubular myopathy. Last evaluated: 2025-12-04. Review status: criteria provided, single submitter. Criteria: ACMG Guidelines, 2015. Collection method: clinical testing. Allele origin: germline. Affected: yes.
Comment: The variant is not observed in the gnomAD v4.1.0 dataset. Predicted Consequence/Location: Frameshift: predicted to result in a loss or disruption of normal protein function through nonsense-mediated decay (NMD) or protein truncation. Multiple pathogenic variants are reported downstream of the variant. Therefore, this variant is classified as Likely pathogenic according to the recommendation of ACMG/AMP guideline.